The following is an entry in ClinVar:

NM_015272.5(RPGRIP1L):c.634G>C (p.Glu212Gln)

Gene: RPGRIP1L (RPGRIP1 like; minus strand). Cytogenetic location: 16q12.2.
Variant type: single nucleotide variant.
Coding change: c.634G>C on transcript NM_015272.5 (MANE Select); coding-DNA position 634, G replaced by C.
Protein change: p.Glu212Gln; replaces glutamic acid 212 with glutamine.
Molecular consequence: missense variant.
Genome position (GRCh38, 1-based): chr16:53,686,575, C>G on the plus strand (G>C on the coding strand, the complement: RPGRIP1L is on the minus strand). VCF-style: chr16-53686575-C-G. GRCh37 (hg19) VCF-style: chr16-53720487-C-G.
Other names: c.634G>C, p.Glu212Gln (NM_001127897.4, NM_001308334.3, NM_001330538.2); c.634G>C (NM_015272.2, NM_015272.4); short protein forms E212Q.
Identifiers: ClinVar variation 1021630 (VCV001021630.11), dbSNP rs766043636, ClinGen allele CA8058056.

ClinVar aggregate classification (germline): Uncertain significance. Review status: criteria provided, multiple submitters, no conflicts (2 of 4 stars). 3 submissions from 3 submitters: Uncertain significance (3). Last evaluated 2026-04-08.

Conditions:
RPGRIP1L-related disorder. Also called: RPGRIP1L-related disorders; RPGRIP1L-related condition. Identifiers: MedGen CN239416.
Joubert syndrome. Also called: Familial aplasia of the vermis; JOUBERT-BOLTSHAUSER SYNDROME. Identifiers: Orphanet 475, MedGen C5979921, MONDO:0018772.
Meckel-Gruber syndrome. Also called: DYSENCEPHALIA SPLANCHNOCYSTICA; GRUBER SYNDROME; Dysencephalia splachnocystica. Identifiers: Orphanet 564, MedGen C0265215, MONDO:0018921.
Inborn genetic diseases. Identifiers: MedGen C0950123, MeSH D030342.

Allele frequency attached by ClinVar (database versions not stated): gnomAD exomes below 0.00001 and 0.00001; ExAC 0.00001; gnomAD 0.00002 and 0.00003; TOPMed 0.00003.
gnomAD v4.1: 8 of 1,613,394 alleles (0.0005%); highest among the groups gnomAD compares: African/African-American, 0.0093%; no homozygotes.

Submissions (3):

PreventionGenetics, part of Exact Sciences
Classification: Uncertain significance for RPGRIP1L-related condition. Last evaluated: 2026-04-08. Review status: criteria provided, single submitter. Criteria: ACMG Guidelines, 2015. Collection method: clinical testing. Allele origin: germline.
Comment: The RPGRIP1L c.634G>C variant is predicted to result in the amino acid substitution p.Glu212Gln. To our knowledge, this variant has not been reported in the literature. This variant is reported in 0.0062% of alleles in individuals of African descent in gnomAD. At this time, the clinical significance of this variant is uncertain due to the absence of conclusive functional and genetic evidence.

Labcorp Genetics (formerly Invitae), Labcorp
Classification: Uncertain significance for Joubert syndrome; Meckel-Gruber syndrome. Last evaluated: 2023-08-10. Review status: criteria provided, single submitter. Criteria: Invitae Variant Classification Sherloc (09022015). Collection method: clinical testing. Allele origin: germline.
Comment: This sequence change replaces glutamic acid, which is acidic and polar, with glutamine, which is neutral and polar, at codon 212 of the RPGRIP1L protein (p.Glu212Gln). This variant is present in population databases (rs766043636, gnomAD 0.007%). This variant has not been reported in the literature in individuals affected with RPGRIP1L-related conditions. ClinVar contains an entry for this variant (Variation ID: 1021630). An algorithm developed to predict the effect of missense changes on protein structure and function (PolyPhen-2) suggests that this variant is likely to be disruptive. In summary, the available evidence is currently insufficient to determine the role of this variant in disease. Therefore, it has been classified as a Variant of Uncertain Significance.

Ambry Genetics
Classification: Uncertain significance for Inborn genetic diseases. Last evaluated: 2022-01-19. Review status: criteria provided, single submitter. Criteria: Ambry Variant Classification Scheme 2023. Collection method: clinical testing. Allele origin: germline.